The following is an entry in ClinVar:

NM_002224.4(ITPR3):c.4747G>A (p.Ala1583Thr)

Gene: ITPR3 (inositol 1,4,5-trisphosphate receptor type 3; plus strand). Cytogenetic location: 6p21.31.
Variant type: single nucleotide variant.
Coding change: c.4747G>A on transcript NM_002224.4 (MANE Select); coding-DNA position 4747, G replaced by A.
Protein change: p.Ala1583Thr; replaces alanine 1583 with threonine.
Molecular consequence: missense variant.
Genome position (GRCh38, 1-based): chr6:33,683,356, G>A. VCF-style: chr6-33683356-G-A. GRCh37 (hg19) VCF-style: chr6-33651133-G-A.
Other names: short protein forms A1583T.
Identifiers: ClinVar variation 5041290 (VCV005041290.1).
Genomic context (GRCh38, chr6:33,683,356, plus strand): 5'-CAGCGGAACGCCTCCAGCTACAAGGCAACCACGCGGGCCTTCCCCCGCGTCACCCCCACC[G>A]CCAACCAGTGGGACTACAAGAACATCATTGAGAAGCTGCAGGTGGGTGTGGGGCTGCCTG-3'
Protein context (NP_002215.2, residues 1573-1593): TRAFPRVTPT[Ala1583Thr]NQWDYKNIIE

ClinVar aggregate classification (germline): Likely benign (1 of 4 stars; one submission).

gnomAD v4.1: 8 of 1,594,954 alleles (0.0005%); highest among the groups gnomAD compares: South Asian, 0.0057%; no homozygotes.

Submission:

CeGaT Center for Human Genetics Tuebingen
Classification: Likely benign. Last evaluated: 2026-09-01. Review status: criteria provided, single submitter. Criteria: CeGaT Center For Human Genetics Tuebingen Variant Classification Criteria Version 2. Collection method: clinical testing. Allele origin: germline. Affected: yes. Observed: 1 variant allele.
Comment: ITPR3: BP4, BS2